The following is an entry in ClinVar:

ClinVar aggregate classification (germline): Uncertain significance (1 of 4 stars; one submission).

Conditions:
Aniridia 1 (AN1). Identifiers: Orphanet 250923, MedGen C0344542, MONDO:0024507, OMIM 106210.
Irido-corneo-trabecular dysgenesis (ASGD5). Also called: ANTERIOR SEGMENT DYSGENESIS 5. Identifiers: Orphanet 708, MedGen C0344559, MONDO:0011414, OMIM 604229, HP:0000659.

Allele frequency attached by ClinVar (database versions not stated): gnomAD 0.00001.
gnomAD v4.1: 1 of 1,614,050 alleles (0.000062%); highest among the groups gnomAD compares: Non-Finnish European, 0.000085%; no homozygotes.

Submission:

Labcorp Genetics (formerly Invitae), Labcorp
Classification: Uncertain significance for Aniridia 1; Irido-corneo-trabecular dysgenesis. Last evaluated: 2022-09-09. Review status: criteria provided, single submitter. Criteria: Invitae Variant Classification Sherloc (09022015). Collection method: clinical testing. Allele origin: germline.
Comment: This sequence change replaces proline, which is neutral and non-polar, with alanine, which is neutral and non-polar, at codon 298 of the PAX6 protein (p.Pro298Ala). This variant is present in population databases (no rsID available, gnomAD 0.007%). This variant has not been reported in the literature in individuals affected with PAX6-related conditions. Advanced modeling of protein sequence and biophysical properties (such as structural, functional, and spatial information, amino acid conservation, physicochemical variation, residue mobility, and thermodynamic stability) performed at Invitae indicates that this missense variant is not expected to disrupt PAX6 protein function. In summary, the available evidence is currently insufficient to determine the role of this variant in disease. Therefore, it has been classified as a Variant of Uncertain Significance.

NM_001368894.2(PAX6):c.934C>G (p.Pro312Ala)

Gene: PAX6 (paired box 6; minus strand). Cytogenetic location: 11p13.
Variant type: single nucleotide variant.
Coding change: c.934C>G on transcript NM_001368894.2 (MANE Select); coding-DNA position 934, C replaced by G.
Protein change: p.Pro312Ala; replaces proline 312 with alanine.
Molecular consequence: missense variant. On other transcripts: non-coding transcript variant (2).
Genome position (GRCh38, 1-based): chr11:31,793,676, G>C on the plus strand (C>G on the coding strand, the complement: PAX6 is on the minus strand). VCF-style: chr11-31793676-G-C. GRCh37 (hg19) VCF-style: chr11-31815224-G-C.
Other names: c.892C>G, p.Pro298Ala (NM_000280.6, NM_001127612.3, NM_001258464.2 and 10 more transcripts); c.934C>G, p.Pro312Ala (NM_001258462.3, NM_001258463.2, NM_001310158.2 and 6 more transcripts); c.484C>G, p.Pro162Ala (NM_001310160.2, NM_001310161.3, NM_001368899.2 and 11 more transcripts); c.1135C>G, p.Pro379Ala (NM_001368910.2); c.937C>G, p.Pro313Ala (NM_001368911.2); c.1009C>G, p.Pro337Ala (NM_001368918.2, NM_001368919.2); c.967C>G, p.Pro323Ala (NM_001368920.2); c.733C>G, p.Pro245Ala (NM_001368921.2, NM_001368922.2, NM_001368923.2 and 4 more transcripts); and 2 more; short protein forms P162A, P231A, P245A, P298A, P312A, P313A, P323A, P337A.
Identifiers: ClinVar variation 1719104 (VCV001719104.5), dbSNP rs1452469055, ClinGen allele CA379956287.
Genomic context (GRCh38, chr11:31,793,676, plus strand): 5'-AAGACATTGATTCGTAGTATTAGTATTTCAAATTACCCGGTGTGGTGGGTTGTGGAATTG[G>C]TTGGTAGACACTGGTGCTGAAACTACTGCTGATAGGAATATGACTAGGTGTGTTGCTGGC-3'
Protein context (NP_001355823.1, residues 302-322): SSSFSTSVYQ[Pro312Ala]IPQPTTPVSS